The following is an entry in ClinVar:

ClinVar aggregate classification (germline): Uncertain significance. Review status: criteria provided, multiple submitters, no conflicts (2 of 4 stars). 2 submissions from 2 submitters: Uncertain significance (2). Last evaluated 2025-07-30.

Conditions:
Epileptic encephalopathy. Identifiers: MedGen C0543888, HP:0200134.

Allele frequency attached by ClinVar (database versions not stated): gnomAD 0.00003 and 0.00004; TOPMed 0.00005; gnomAD exomes 0.00006; ExAC 0.00007.
gnomAD v4.1: 50 of 1,611,526 alleles (0.0031%); highest among the groups gnomAD compares: Middle Eastern, 0.049%; 1 homozygote.

Submissions (2):

Labcorp Genetics (formerly Invitae), Labcorp
Classification: Uncertain significance for Epileptic encephalopathy. Last evaluated: 2025-07-30. Review status: criteria provided, single submitter. Criteria: Invitae Variant Classification Sherloc (09022015). Collection method: clinical testing. Allele origin: germline.
Comment: This sequence change replaces alanine, which is neutral and non-polar, with threonine, which is neutral and polar, at codon 847 of the FASN protein (p.Ala847Thr). This variant is present in population databases (rs762057164, gnomAD 0.02%). This variant has not been reported in the literature in individuals affected with FASN-related conditions. ClinVar contains an entry for this variant (Variation ID: 530958). An algorithm developed to predict the effect of missense changes on protein structure and function outputs the following: PolyPhen-2: "Benign". The threonine amino acid residue is found in multiple mammalian species, which suggests that this missense change does not adversely affect protein function. In summary, the available evidence is currently insufficient to determine the role of this variant in disease. Therefore, it has been classified as a Variant of Uncertain Significance.

Fulgent Genetics
Classification: Uncertain significance for Epileptic encephalopathy. Last evaluated: 2018-10-31. Review status: criteria provided, single submitter. Criteria: ACMG Guidelines, 2015. Collection method: clinical testing. Allele origin: unknown.

NM_004104.5(FASN):c.2539G>A (p.Ala847Thr)

Gene: FASN (fatty acid synthase; minus strand). Cytogenetic location: 17q25.3.
Variant type: single nucleotide variant.
Coding change: c.2539G>A on transcript NM_004104.5 (MANE Select); coding-DNA position 2539, G replaced by A.
Protein change: p.Ala847Thr; replaces alanine 847 with threonine.
Molecular consequence: missense variant.
Genome position (GRCh38, 1-based): chr17:82,088,444, C>T on the plus strand (G>A on the coding strand, the complement: FASN is on the minus strand). VCF-style: chr17-82088444-C-T. GRCh37 (hg19) VCF-style: chr17-80046320-C-T.
Other names: short protein forms A847T.
Identifiers: ClinVar variation 530958 (VCV000530958.11), dbSNP rs762057164, ClinGen allele CA8852756.